The following is an entry in ClinVar:

ClinVar aggregate classification (germline): Uncertain significance (1 of 4 stars; one submission).

Conditions:
Hereditary cancer-predisposing syndrome. Also called: Neoplastic Syndromes, Hereditary; Tumor predisposition; Hereditary Cancer Syndrome; Hereditary neoplastic syndrome. Identifiers: Orphanet 140162, MedGen C0027672, MeSH D009386, MONDO:0015356.

Allele frequency attached by ClinVar (database versions not stated): gnomAD 0.00001.
gnomAD v4.1: 1 of 1,560,012 alleles (0.000064%); highest among the groups gnomAD compares: Non-Finnish European, 0.000088%; no homozygotes.

Submission:

Ambry Genetics
Classification: Uncertain significance for Hereditary cancer-predisposing syndrome. Last evaluated: 2016-09-07. Review status: criteria provided, single submitter. Criteria: Ambry Variant Classification Scheme 2023. Collection method: clinical testing. Allele origin: germline.
Comment: The p.N2288H variant (also known as c.6862A>C), located in coding exon 11 of the BRCA2 gene, results from an A to C substitution at nucleotide position 6862. The asparagine at codon 2288 is replaced by histidine, an amino acid with similar properties. This variant was not reported in population based cohorts in the following databases: Database of Single Nucleotide Polymorphisms (dbSNP), NHLBI Exome Sequencing Project (ESP), and 1000 Genomes Project. In the ESP, this variant was not observed in 6447 samples (12894 alleles) with coverage at this position. To date, this alteration has been detected with an allele frequency of approximately 0.0003% (greater than 300000 alleles tested) in our clinical cohort. This amino acid position is not well conserved in available vertebrate species. In addition, this alteration is predicted to be tolerated by in silico analysis. Since supporting evidence is limited at this time, the clinical significance of this alteration remains unclear.

NM_000059.4(BRCA2):c.6862A>C (p.Asn2288His)

Gene: BRCA2 (BRCA2 DNA repair associated; plus strand). Cytogenetic location: 13q13.1.
Variant type: single nucleotide variant.
Coding change: c.6862A>C on transcript NM_000059.4 (MANE Select); coding-DNA position 6862, A replaced by C.
Protein change: p.Asn2288His; replaces asparagine 2288 with histidine.
Molecular consequence: missense variant.
Genome position (GRCh38, 1-based): chr13:32,344,578, A>C. VCF-style: chr13-32344578-A-C. GRCh37 (hg19) VCF-style: chr13-32918715-A-C.
Other names: short protein forms N2288H.
Identifiers: ClinVar variation 481570 (VCV000481570.5), dbSNP rs1244797012, ClinGen allele CA387792676.
Genomic context (GRCh38, chr13:32,344,578, plus strand): 5'-TTATTTGCCTTAAAAACATATATGAAATATTTCTTTTTAGGAGAACCCTCAATCAAAAGA[A>C]ACTTATTAAATGAATTTGACAGGATAATAGAAAATCAAGAAAAATCCTTAAAGGCTTCAA-3'
Protein context (NP_000050.3, residues 2278-2298): ILVGEPSIKR[Asn2288His]LLNEFDRIIE